The following is an entry in ClinVar:

ClinVar aggregate classification (germline): Uncertain significance (1 of 4 stars; one submission).

Conditions:
Lethal multiple pterygium syndrome (LMPS). Identifiers: Orphanet 33108, MedGen C1854678, MONDO:0009668, OMIM 253290.

Allele frequency attached by ClinVar (database versions not stated): gnomAD 0.00001 and 0.00002; ExAC 0.00002; gnomAD exomes 0.00002 and 0.00004; TOPMed 0.00006; 1000 Genomes Project 30x 0.00016; 1000 Genomes Project 0.00020.
gnomAD v4.1: 36 of 1,613,566 alleles (0.0022%); highest among the groups gnomAD compares: East Asian, 0.067%; no homozygotes.

Submission:

Labcorp Genetics (formerly Invitae), Labcorp
Classification: Uncertain significance for Lethal multiple pterygium syndrome. Last evaluated: 2024-08-20. Review status: criteria provided, single submitter. Criteria: Invitae Variant Classification Sherloc (09022015). Collection method: clinical testing. Allele origin: germline.
Comment: This sequence change replaces lysine, which is basic and polar, with arginine, which is basic and polar, at codon 297 of the CHRND protein (p.Lys297Arg). This variant is present in population databases (rs187055404, gnomAD 0.05%). This variant has not been reported in the literature in individuals affected with CHRND-related conditions. ClinVar contains an entry for this variant (Variation ID: 863411). Invitae Evidence Modeling of protein sequence and biophysical properties (such as structural, functional, and spatial information, amino acid conservation, physicochemical variation, residue mobility, and thermodynamic stability) indicates that this missense variant is not expected to disrupt CHRND protein function with a negative predictive value of 80%. In summary, the available evidence is currently insufficient to determine the role of this variant in disease. Therefore, it has been classified as a Variant of Uncertain Significance.

NM_000751.3(CHRND):c.890A>G (p.Lys297Arg)

Gene: CHRND (cholinergic receptor nicotinic delta subunit; plus strand). Cytogenetic location: 2q37.1.
Variant type: single nucleotide variant.
Coding change: c.890A>G on transcript NM_000751.3 (MANE Select); coding-DNA position 890, A replaced by G.
Protein change: p.Lys297Arg; replaces lysine 297 with arginine.
Molecular consequence: missense variant.
Genome position (GRCh38, 1-based): chr2:232,531,421, A>G. VCF-style: chr2-232531421-A-G. GRCh37 (hg19) VCF-style: chr2-233396131-A-G.
Other names: c.845A>G, p.Lys282Arg (NM_001256657.2); c.308A>G, p.Lys103Arg (NM_001311195.2); c.587A>G, p.Lys196Arg (NM_001311196.2); short protein forms K196R, K297R, K103R, K282R.
Identifiers: ClinVar variation 863411 (VCV000863411.10), dbSNP rs187055404, ClinGen allele CA2168181.